The following is an entry in ClinVar:

NM_001042492.3(NF1):c.46C>T (p.Arg16Cys)

Genes: MIR4733HG (MIR4733 host gene; minus strand), NF1 (neurofibromin 1; plus strand), LOC111811965 (NF1 (neurofibromin 1) promoter region; plus strand). Cytogenetic location: 17q11.2.
Variant type: single nucleotide variant.
Coding change: c.46C>T on transcript NM_001042492.3 (MANE Select); coding-DNA position 46, C replaced by T.
Protein change: p.Arg16Cys; replaces arginine 16 with cysteine.
Molecular consequence: missense variant. On other transcripts: non-coding transcript variant (1).
Genome position (GRCh38, 1-based): chr17:31,095,355, C>T. VCF-style: chr17-31095355-C-T. GRCh37 (hg19) VCF-style: chr17-29422373-C-T.
Other names: c.46C>T, p.Arg16Cys (NM_000267.4, NM_001128147.3); short protein forms R16C.
Identifiers: ClinVar variation 378270 (VCV000378270.12), dbSNP rs1057520334, ClinGen allele CA16607554.

ClinVar aggregate classification (germline): Uncertain significance. Review status: criteria provided, multiple submitters, no conflicts (2 of 4 stars). 4 submissions from 4 submitters: Uncertain significance (4). Last evaluated 2022-08-27.

Conditions:
Hereditary cancer-predisposing syndrome. Also called: Hereditary neoplastic syndrome; Tumor predisposition; Neoplastic Syndromes, Hereditary; Hereditary Cancer Syndrome. Identifiers: Orphanet 140162, MedGen C0027672, MeSH D009386, MONDO:0015356.
Cardiovascular phenotype. Identifiers: MedGen CN230736.
Neurofibromatosis, type 1 (NF1). Also called: Peripheral type neurofibromatosis; VON RECKLINGHAUSEN DISEASE; NEUROFIBROMATOSIS, TYPE I, SOMATIC; Neurofibromatosis, type I. Identifiers: Orphanet 636, MedGen C0027831, MONDO:0018975, OMIM 162200. Disease mechanism: loss of function.

Submissions (4):

Labcorp Genetics (formerly Invitae), Labcorp
Classification: Uncertain significance for Neurofibromatosis, type 1. Last evaluated: 2022-08-27. Review status: criteria provided, single submitter. Criteria: Invitae Variant Classification Sherloc (09022015). Collection method: clinical testing. Allele origin: germline.
Comment: In summary, the available evidence is currently insufficient to determine the role of this variant in disease. Therefore, it has been classified as a Variant of Uncertain Significance. Algorithms developed to predict the effect of missense changes on protein structure and function (SIFT, PolyPhen-2, Align-GVGD) all suggest that this variant is likely to be tolerated. ClinVar contains an entry for this variant (Variation ID: 378270). This variant has not been reported in the literature in individuals affected with NF1-related conditions. This variant is not present in population databases (gnomAD no frequency). This sequence change replaces arginine, which is basic and polar, with cysteine, which is neutral and slightly polar, at codon 16 of the NF1 protein (p.Arg16Cys).

Genome-Nilou Lab
Classification: Uncertain significance for Neurofibromatosis, type 1. Last evaluated: 2022-03-15. Review status: criteria provided, single submitter. Criteria: ACMG Guidelines, 2015. Collection method: clinical testing. Allele origin: germline. Affected: no.

Ambry Genetics
Classification: Uncertain significance for Cardiovascular phenotype; Hereditary cancer-predisposing syndrome. Last evaluated: 2019-11-06. Review status: criteria provided, single submitter. Criteria: Ambry Variant Classification Scheme 2023. Collection method: clinical testing. Allele origin: germline.
Comment: The p.R16C variant (also known as c.46C>T), located in coding exon 1 of the NF1 gene, results from a C to T substitution at nucleotide position 46. The arginine at codon 16 is replaced by cysteine, an amino acid with highly dissimilar properties. This amino acid position is highly conserved in available vertebrate species. In addition, the in silico prediction for this alteration is inconclusive. Since supporting evidence is limited at this time, the clinical significance of this alteration remains unclear.

GeneDx
Classification: Uncertain significance. Last evaluated: 2016-10-27. Review status: criteria provided, single submitter. Criteria: GeneDx Variant Classification (06012015). Collection method: clinical testing. Allele origin: germline. Affected: yes.
Comment: The R16C variant in the NF1 gene has not, to our knowledge, been published in the literature as pathogenic or benign. This variant was not observed in approximately 5,600 individuals of European and African American ancestry in the NHLBI Exome Sequencing Project, suggesting it is not a common benign variant in these populations. The R16C variant is a non-conservative amino acid substitution, which is likely to impact secondary protein structure as these residues differ in polarity, charge, size and/or other properties. This substitution occurs at a position that is conserved across species and in silico analyses predict that this variant is probably damaging to the protein structure and function. A missense variant in the same residue (R16P) has been reported in an individual with clinical featues and a family history associated with neurofibromatosis (Nemethova et al., 2013), supporting the functional importance of this region of the protein. We interpret R16C as a variant of uncertain significance